The following is an entry in ClinVar:

ClinVar aggregate classification (germline): Uncertain significance. Review status: criteria provided, multiple submitters, no conflicts (2 of 4 stars). 2 submissions from 2 submitters: Uncertain significance (2). Last evaluated 2026-03-15.

Conditions:
Cardiovascular phenotype. Identifiers: MedGen CN230736.
Long QT syndrome (LQTS). Identifiers: MedGen C0023976, MeSH D008133, MONDO:0002442. Disease mechanism: loss of function. Inheritance: Various modes of inheritance.

gnomAD v4.1: 2 of 1,614,172 alleles (0.00012%); highest among the groups gnomAD compares: Middle Eastern, 0.016%; no homozygotes.

Submissions (2):

Ambry Genetics
Classification: Uncertain significance for Cardiovascular phenotype. Last evaluated: 2026-03-15. Review status: criteria provided, single submitter. Criteria: Ambry Variant Classification Scheme 2023. Collection method: clinical testing. Allele origin: germline.
Comment: The p.K2721R variant (also known as c.8162A>G), located in coding exon 38 of the ANK2 gene, results from an A to G substitution at nucleotide position 8162. The lysine at codon 2721 is replaced by arginine, an amino acid with highly similar properties. This amino acid position is conserved. In addition, this alteration is predicted to be tolerated by in silico analysis. Based on the available evidence, the clinical significance of this variant remains unclear.

Labcorp Genetics (formerly Invitae), Labcorp
Classification: Uncertain significance for Long QT syndrome. Last evaluated: 2024-08-05. Review status: criteria provided, single submitter. Criteria: Invitae Variant Classification Sherloc (09022015). Collection method: clinical testing. Allele origin: germline.
Comment: This sequence change replaces lysine, which is basic and polar, with arginine, which is basic and polar, at codon 2721 of the ANK2 protein (p.Lys2721Arg). This variant is present in population databases (rs750255630, gnomAD no frequency). This variant has not been reported in the literature in individuals affected with ANK2-related conditions. An algorithm developed to predict the effect of missense changes on protein structure and function (PolyPhen-2) suggests that this variant is likely to be tolerated. In summary, the available evidence is currently insufficient to determine the role of this variant in disease. Therefore, it has been classified as a Variant of Uncertain Significance.

NM_001148.6(ANK2):c.8162A>G (p.Lys2721Arg)

Gene: ANK2 (ankyrin 2; plus strand). Cytogenetic location: 4q26.
Variant type: single nucleotide variant.
Coding change: c.8162A>G on transcript NM_001148.6 (MANE Select); coding-DNA position 8162, A replaced by G.
Protein change: p.Lys2721Arg; replaces lysine 2721 with arginine.
Molecular consequence: missense variant. On other transcripts: intron variant (68).
Genome position (GRCh38, 1-based): chr4:113,356,780, A>G. VCF-style: chr4-113356780-A-G. GRCh37 (hg19) VCF-style: chr4-114277936-A-G.
Other names: c.7928A>G, p.Lys2643Arg (NM_001386142.1); c.4562A>G, p.Lys1521Arg (NM_001386166.1); c.8303A>G, p.Lys2768Arg (NM_001386174.1); c.8279A>G, p.Lys2760Arg (NM_001386175.1); c.4412-4043A>G (NM_001386186.2, NM_001386148.2); c.4214-4043A>G (NM_001354269.3); c.4292-4043A>G (NM_001386187.2); c.4253-4043A>G (NM_001386147.1); and 35 more; short protein forms K1521R, K2643R, K2721R, K2760R, K2768R.
Identifiers: ClinVar variation 3625396 (VCV003625396.3).